The following is an entry in ClinVar:

NM_032447.5(FBN3):c.4666C>T (p.Arg1556Cys)

Gene: FBN3 (fibrillin 3; minus strand). Cytogenetic location: 19p13.2.
Variant type: single nucleotide variant.
Coding change: c.4666C>T on transcript NM_032447.5 (MANE Select); coding-DNA position 4666, C replaced by T.
Protein change: p.Arg1556Cys; replaces arginine 1556 with cysteine.
Molecular consequence: missense variant.
Genome position (GRCh38, 1-based): chr19:8,108,191, G>A on the plus strand (C>T on the coding strand, the complement: FBN3 is on the minus strand). VCF-style: chr19-8108191-G-A. GRCh37 (hg19) VCF-style: chr19-8173075-G-A.
Other names: c.4666C>T, p.Arg1556Cys (NM_001321431.2); short protein forms R1556C.
Identifiers: ClinVar variation 1438027 (VCV001438027.6), dbSNP rs372964773, ClinGen allele CA9151967.

ClinVar aggregate classification (germline): Uncertain significance (1 of 4 stars; one submission).

Allele frequency attached by ClinVar (database versions not stated): gnomAD exomes 0.00006 and 0.00011; ESP Exome Variant Server 0.00015; ExAC 0.00017; gnomAD 0.00019 and 0.00021; TOPMed 0.00020.
gnomAD v4.1: 110 of 1,612,668 alleles (0.0068%); highest among the groups gnomAD compares: African/African-American, 0.055%; no homozygotes.

Submission:

Labcorp Genetics (formerly Invitae), Labcorp
Classification: Uncertain significance. Last evaluated: 2025-06-12. Review status: criteria provided, single submitter. Criteria: Invitae Variant Classification Sherloc (09022015). Collection method: clinical testing. Allele origin: germline.
Comment: This sequence change replaces arginine, which is basic and polar, with cysteine, which is neutral and slightly polar, at codon 1556 of the FBN3 protein (p.Arg1556Cys). This variant is present in population databases (rs372964773, gnomAD 0.08%), and has an allele count higher than expected for a pathogenic variant. This variant has not been reported in the literature in individuals affected with FBN3-related conditions. ClinVar contains an entry for this variant (Variation ID: 1438027). Invitae Evidence Modeling of protein sequence and biophysical properties (such as structural, functional, and spatial information, amino acid conservation, physicochemical variation, residue mobility, and thermodynamic stability) indicates that this missense variant is expected to disrupt FBN3 protein function with a positive predictive value of 80%. In summary, the available evidence is currently insufficient to determine the role of this variant in disease. Therefore, it has been classified as a Variant of Uncertain Significance.